The following is an entry in ClinVar:

ClinVar aggregate classification (germline): Uncertain significance (1 of 4 stars; one submission).

Submission:

Ambry Genetics
Classification: Uncertain significance. Last evaluated: 2024-04-25. Review status: criteria provided, single submitter. Criteria: Ambry Variant Classification Scheme 2023. Collection method: clinical testing. Allele origin: germline.
Comment: The p.L118S variant (also known as c.353T>C), located in coding exon 5 of the RAD54L gene, results from a T to C substitution at nucleotide position 353. The leucine at codon 118 is replaced by serine, an amino acid with dissimilar properties. This amino acid position is conserved. In addition, the in silico prediction for this alteration is inconclusive. Based on the available evidence, the clinical significance of this variant remains unclear.

NM_003579.4(RAD54L):c.353T>C (p.Leu118Ser)

Gene: RAD54L (RAD54 like; plus strand). Cytogenetic location: 1p34.1.
Variant type: single nucleotide variant.
Coding change: c.353T>C on transcript NM_003579.4 (MANE Select); coding-DNA position 353, T replaced by C.
Protein change: p.Leu118Ser; replaces leucine 118 with serine.
Molecular consequence: missense variant. On other transcripts: 5 prime UTR variant (1).
Genome position (GRCh38, 1-based): chr1:46,260,045, T>C. VCF-style: chr1-46260045-T-C. GRCh37 (hg19) VCF-style: chr1-46725717-T-C.
Other names: c.353T>C, p.Leu118Ser (NM_001142548.2); c.-188T>C (NM_001370766.1); short protein forms L118S.
Identifiers: ClinVar variation 3312420 (VCV003312420.1).